The following is an entry in ClinVar:

NM_173598.6(KSR2):c.1466A>G (p.Tyr489Cys)

Gene: KSR2 (kinase suppressor of ras 2; minus strand). Cytogenetic location: 12q24.22.
Variant type: single nucleotide variant.
Coding change: c.1466A>G on transcript NM_173598.6 (MANE Select); coding-DNA position 1466, A replaced by G.
Protein change: p.Tyr489Cys; replaces tyrosine 489 with cysteine.
Molecular consequence: missense variant.
Genome position (GRCh38, 1-based): chr12:117,555,221, T>C on the plus strand (A>G on the coding strand, the complement: KSR2 is on the minus strand). VCF-style: chr12-117555221-T-C. GRCh37 (hg19) VCF-style: chr12-117993026-T-C.
Other names: short protein forms Y489C.
Identifiers: ClinVar variation 4982325 (VCV004982325.1).

ClinVar aggregate classification (germline): Uncertain significance (1 of 4 stars; one submission).

Conditions:
KSR2-related disorder. Also called: KSR2-related condition.

gnomAD v4.1: 4 of 1,613,822 alleles (0.00025%); highest among the groups gnomAD compares: African/African-American, 0.0053%; no homozygotes.

Submission:

PreventionGenetics, part of Exact Sciences
Classification: Uncertain significance for KSR2-related condition. Last evaluated: 2025-01-09. Review status: criteria provided, single submitter. Criteria: ACMG Guidelines, 2015. Collection method: clinical testing. Allele origin: germline.
Comment: The KSR2 c.1379A>G variant is predicted to result in the amino acid substitution p.Tyr460Cys. To our knowledge, this variant has not been reported in the literature. This variant is reported in 0.0083% of alleles in individuals of African descent in gnomAD. At this time, the clinical significance of this variant is uncertain due to the absence of conclusive functional and genetic evidence.